The following is an entry in ClinVar:

NM_000059.4(BRCA2):c.1238T>C (p.Leu413Pro)

Gene: BRCA2 (BRCA2 DNA repair associated; plus strand). Cytogenetic location: 13q13.1.
Variant type: single nucleotide variant.
Coding change: c.1238T>C on transcript NM_000059.4 (MANE Select); coding-DNA position 1238, T replaced by C.
Protein change: p.Leu413Pro; replaces leucine 413 with proline.
Molecular consequence: missense variant.
Genome position (GRCh38, 1-based): chr13:32,332,716, T>C. VCF-style: chr13-32332716-T-C. GRCh37 (hg19) VCF-style: chr13-32906853-T-C.
Other names: c.1238T>C, p.Leu413Pro (NM_001406719.1, NM_001406720.1, NM_001406721.1); short protein forms L413P.
Identifiers: ClinVar variation 1757458 (VCV001757458.8), dbSNP rs2072407340, ClinGen allele CA387762223.
Genomic context (GRCh38, chr13:32,332,716, plus strand): 5'-GTGAATGGTCTCAACTAACCCTTTCAGGTCTAAATGGAGCCCAGATGGAGAAAATACCCC[T>C]ATTGCATATTTCTTCATGTGACCAAAATATTTCAGAAAAAGACCTATTAGACACAGAGAA-3'
Protein context (NP_000050.3, residues 403-423): LNGAQMEKIP[Leu413Pro]LHISSCDQNI

ClinVar aggregate classification (germline): Conflicting classifications of pathogenicity. Review status: criteria provided, conflicting classifications (1 of 4 stars). 3 submissions from 3 submitters: Uncertain significance (2); Likely benign (1). Last evaluated 2025-01-17.

Conditions:
Hereditary cancer-predisposing syndrome. Also called: Neoplastic Syndromes, Hereditary; Tumor predisposition; Hereditary Cancer Syndrome; Hereditary neoplastic syndrome. Identifiers: Orphanet 140162, MedGen C0027672, MeSH D009386, MONDO:0015356.
Hereditary breast ovarian cancer syndrome. Also called: Hereditary breast and/or ovarian cancer syndrome; Hereditary breast and ovarian cancer syndrome; Breast and ovarian cancer; Hereditary breast and ovarian cancer; BRCA1- and BRCA2-Associated Hereditary Breast and Ovarian Cancer; Hereditary breast and ovarian cancer syndrome (HBOC). Identifiers: Orphanet 145, MedGen C0677776, MeSH D061325, MONDO:0003582. Disease mechanism: loss of function.

Submissions (3):

Labcorp Genetics (formerly Invitae), Labcorp
Classification: Uncertain significance for Hereditary breast ovarian cancer syndrome. Last evaluated: 2025-01-17. Review status: criteria provided, single submitter. Criteria: Invitae Variant Classification Sherloc (09022015). Collection method: clinical testing. Allele origin: germline.
Comment: This sequence change replaces leucine, which is neutral and non-polar, with proline, which is neutral and non-polar, at codon 413 of the BRCA2 protein (p.Leu413Pro). This variant is not present in population databases (gnomAD no frequency). This variant has not been reported in the literature in individuals affected with BRCA2-related conditions. ClinVar contains an entry for this variant (Variation ID: 1757458). Invitae Evidence Modeling of protein sequence and biophysical properties (such as structural, functional, and spatial information, amino acid conservation, physicochemical variation, residue mobility, and thermodynamic stability) indicates that this missense variant is not expected to disrupt BRCA2 protein function with a negative predictive value of 95%. In summary, the available evidence is currently insufficient to determine the role of this variant in disease. Therefore, it has been classified as a Variant of Uncertain Significance.

Ambry Genetics
Classification: Uncertain significance for Hereditary cancer-predisposing syndrome. Last evaluated: 2024-09-01. Review status: criteria provided, single submitter. Criteria: Ambry Variant Classification Scheme 2023. Collection method: clinical testing. Allele origin: germline.

University of Washington Department of Laboratory Medicine, University of Washington
Classification: Likely benign for Hereditary cancer-predisposing syndrome. Last evaluated: 2023-03-23. Review status: criteria provided, single submitter. Criteria: Dines et al. (Genet Med. 2020). Collection method: curation. Allele origin: germline.
Comment: Missense variant in a coldspot region where missense variants are very unlikely to be pathogenic (PMID:31911673).

BRCA2 exon 10 coldspot. Reclassification based on statistical prior probability.